The following is an entry in ClinVar:

NM_138694.4(PKHD1):c.788C>T (p.Ser263Phe)

Gene: PKHD1 (PKHD1 ciliary IPT domain containing fibrocystin/polyductin; minus strand). Cytogenetic location: 6p12.2.
Variant type: single nucleotide variant.
Coding change: c.788C>T on transcript NM_138694.4 (MANE Select); coding-DNA position 788, C replaced by T.
Protein change: p.Ser263Phe; replaces serine 263 with phenylalanine.
Molecular consequence: missense variant.
Genome position (GRCh38, 1-based): chr6:52,066,068, G>A on the plus strand (C>T on the coding strand, the complement: PKHD1 is on the minus strand). VCF-style: chr6-52066068-G-A. GRCh37 (hg19) VCF-style: chr6-51930866-G-A.
Other names: c.788C>T, p.Ser263Phe (NM_170724.3); short protein forms S263F.
Identifiers: ClinVar variation 1716744 (VCV001716744.6), dbSNP rs2533508904, ClinGen allele CA364431262.

ClinVar aggregate classification (germline): Uncertain significance (1 of 4 stars; one submission).

Conditions:
Autosomal recessive polycystic kidney disease (ARPKD). Also called: AR polycystic kidney disease. Identifiers: Orphanet 731, Orphanet 8378, MedGen C0085548, MeSH D017044, MONDO:0009889.

Submission:

Labcorp Genetics (formerly Invitae), Labcorp
Classification: Uncertain significance for Autosomal recessive polycystic kidney disease. Last evaluated: 2022-08-19. Review status: criteria provided, single submitter. Criteria: Invitae Variant Classification Sherloc (09022015). Collection method: clinical testing. Allele origin: germline.
Comment: Algorithms developed to predict the effect of sequence changes on RNA splicing suggest that this variant may create or strengthen a splice site. In summary, the available evidence is currently insufficient to determine the role of this variant in disease. Therefore, it has been classified as a Variant of Uncertain Significance. Advanced modeling of protein sequence and biophysical properties (such as structural, functional, and spatial information, amino acid conservation, physicochemical variation, residue mobility, and thermodynamic stability) performed at Invitae indicates that this missense variant is expected to disrupt PKHD1 protein function. This variant has not been reported in the literature in individuals affected with PKHD1-related conditions. This variant is not present in population databases (gnomAD no frequency). This sequence change replaces serine, which is neutral and polar, with phenylalanine, which is neutral and non-polar, at codon 263 of the PKHD1 protein (p.Ser263Phe).